The following is an entry in ClinVar:

ClinVar aggregate classification (germline): Uncertain significance. Review status: criteria provided, multiple submitters, no conflicts (2 of 4 stars). 2 submissions from 2 submitters: Uncertain significance (2). Last evaluated 2025-05-27.

Conditions:
Inborn genetic diseases. Identifiers: MedGen C0950123, MeSH D030342.

gnomAD v4.1: 1 of 1,613,452 alleles (0.000062%); highest among the groups gnomAD compares: African/African-American, 0.0013%; no homozygotes.

Submissions (2):

Labcorp Genetics (formerly Invitae), Labcorp
Classification: Uncertain significance. Last evaluated: 2025-05-27. Review status: criteria provided, single submitter. Criteria: Invitae Variant Classification Sherloc (09022015). Collection method: clinical testing. Allele origin: germline.
Comment: This sequence change replaces valine, which is neutral and non-polar, with isoleucine, which is neutral and non-polar, at codon 362 of the COL7A1 protein (p.Val362Ile). This variant is not present in population databases (gnomAD no frequency). This variant has not been reported in the literature in individuals affected with COL7A1-related conditions. ClinVar contains an entry for this variant (Variation ID: 3268862). Invitae Evidence Modeling of protein sequence and biophysical properties (such as structural, functional, and spatial information, amino acid conservation, physicochemical variation, residue mobility, and thermodynamic stability) indicates that this missense variant is not expected to disrupt COL7A1 protein function with a negative predictive value of 95%. In summary, the available evidence is currently insufficient to determine the role of this variant in disease. Therefore, it has been classified as a Variant of Uncertain Significance.

Ambry Genetics
Classification: Uncertain significance for Inborn genetic diseases. Last evaluated: 2024-05-24. Review status: criteria provided, single submitter. Criteria: Ambry Variant Classification Scheme 2023. Collection method: clinical testing. Allele origin: germline.

NM_000094.4(COL7A1):c.1084G>A (p.Val362Ile)

Gene: COL7A1 (collagen type VII alpha 1 chain; minus strand). Cytogenetic location: 3p21.31.
Variant type: single nucleotide variant.
Coding change: c.1084G>A on transcript NM_000094.4 (MANE Select); coding-DNA position 1084, G replaced by A.
Protein change: p.Val362Ile; replaces valine 362 with isoleucine.
Molecular consequence: missense variant.
Genome position (GRCh38, 1-based): chr3:48,592,360, C>T on the plus strand (G>A on the coding strand, the complement: COL7A1 is on the minus strand). VCF-style: chr3-48592360-C-T. GRCh37 (hg19) VCF-style: chr3-48629793-C-T.
Other names: short protein forms V362I.
Identifiers: ClinVar variation 3268862 (VCV003268862.3).